The following is an entry in ClinVar:

ClinVar aggregate classification (germline): Pathogenic/Likely pathogenic. Review status: criteria provided, multiple submitters, no conflicts (2 of 4 stars). 7 submissions from 7 submitters: Pathogenic (1); Likely pathogenic (4). 2 of the submissions do not count toward it. Last evaluated 2025-06-03.

Conditions:
West syndrome. Also called: Infantile epileptic spasms syndrome. Identifiers: Orphanet 3451, Orphanet 697160, MedGen C0037769, MONDO:0018097. Disease mechanism: loss of function.
Epileptic encephalopathy. Identifiers: MedGen C0543888, HP:0200134.
Developmental and epileptic encephalopathy, 84. Also called: EPILEPTIC ENCEPHALOPATHY, EARLY IFANTILE, 84. Identifiers: MedGen C5394081, MONDO:0032918, OMIM 618792.

Allele frequency attached by ClinVar (database versions not stated): gnomAD exomes 0.00001 and 0.00002; ExAC 0.00002; gnomAD 0.00004; TOPMed 0.00008.

Submissions (7):

Women's Health and Genetics/Laboratory Corporation of America, LabCorp
Classification: Pathogenic for Developmental and epileptic encephalopathy, 84. Last evaluated: 2025-06-03. Review status: criteria provided, single submitter. Criteria: LabCorp Variant Classification Summary - May 2015. Collection method: clinical testing. Allele origin: germline.
Comment: Variant summary: UGDH c.131C>T (p.Ala44Val) results in a non-conservative amino acid change in the encoded protein sequence. Algorithms developed to predict the effect of missense changes on protein structure and function are either unavailable or do not agree on the potential impact of this missense change. The variant allele was found at a frequency of 2.4e-05 in 248634 control chromosomes. c.131C>T has been observed in multiple individuals affected with Developmental And Epileptic Encephalopathy (e.g., Hengel_2020). These data indicate that the variant is very likely to be associated with disease. At least one publication reports experimental evidence evaluating an impact on protein function in an enzyme activity assay (Hengel_2020). The most pronounced variant effect results in ~35% of normal activity. The following publication has been ascertained in the context of this evaluation (PMID: 32001716). ClinVar contains an entry for this variant (Variation ID: 810659). Based on the evidence outlined above, the variant was classified as pathogenic.

Unidad de Genómica Garrahan, Hospital de Pediatría Garrahan
Classification: Likely pathogenic for West syndrome. Last evaluated: 2023-12-15. Review status: criteria provided, single submitter. Criteria: ACMG Guidelines, 2015. Collection method: clinical testing. Allele origin: biparental. Affected: yes. Observed: 1 variant allele.

Revvity Omics, Revvity
Classification: Likely pathogenic for Developmental and epileptic encephalopathy, 84. Last evaluated: 2022-02-03. Review status: criteria provided, single submitter. Criteria: ACMG Guidelines, 2015. Collection method: clinical testing. Allele origin: germline.

Kasturba Medical College, Manipal, Kasturba Medical College, Manipal, Manipal Academy of Higher Education, Manipal, India
Classification: Likely pathogenic for Developmental and epileptic encephalopathy, 84. Last evaluated: 2019-12-23. Review status: criteria provided, single submitter. Criteria: ACMG Guidelines, 2015. Collection method: clinical testing. Allele origin: inherited. Inheritance: Autosomal recessive inheritance. Affected: yes. Observed: 3 variant alleles.

Solve-RD Consortium
Classification: Likely pathogenic for Developmental and epileptic encephalopathy, 84. Review status: criteria provided, single submitter. Criteria: ACMG Guidelines, 2015. Collection method: provider interpretation. Allele origin: germline. Inheritance: Autosomal recessive inheritance. Affected: yes. Study: Solve-RD DIFT-EpiCARE reanalysis.
Comment: PM3, PS3, PM2, PP2

Variant identified during reanalysis of unsolved cases by the Solve-RD project. The Solve-RD project has received funding from the European Union’s Horizon 2020 research and innovation programme under grant agreement No 779257.

OMIM
Classification: Pathogenic for DEVELOPMENTAL AND EPILEPTIC ENCEPHALOPATHY 84. Last evaluated: 2020-10-07. Review status: no assertion criteria provided. Collection method: literature only. Allele origin: germline. Not counted in ClinVar's aggregate classification.

Section for Clinical Neurogenetics, University of Tübingen
Classification: Likely pathogenic for Epileptic Encephalopathy. Last evaluated: 2019-10-01. Review status: no assertion criteria provided. Collection method: research. Allele origin: germline. Affected: yes. Not counted in ClinVar's aggregate classification.

Literature cited by the submitters: PubMed 32001716 (cited by 3 submitters).

NM_003359.4(UGDH):c.131C>T (p.Ala44Val)

Gene: UGDH (UDP-glucose 6-dehydrogenase; minus strand). Cytogenetic location: 4p14.
Variant type: single nucleotide variant.
Coding change: c.131C>T on transcript NM_003359.4 (MANE Select); coding-DNA position 131, C replaced by T.
Protein change: p.Ala44Val; replaces alanine 44 with valine.
Molecular consequence: missense variant. On other transcripts: intron variant (1).
Genome position (GRCh38, 1-based): chr4:39,521,382, G>A on the plus strand (C>T on the coding strand, the complement: UGDH is on the minus strand). VCF-style: chr4-39521382-G-A. GRCh37 (hg19) VCF-style: chr4-39523002-G-A.
Other names: NP_003350.1:p.(Ala44Val); c.131C>T, p.Ala44Val (NM_001184700.2); c.-130+5901C>T (NM_001184701.2); short protein forms A44V.
Identifiers: ClinVar variation 810659 (VCV000810659.13), dbSNP rs749975104, ClinGen allele CA2895236.
Genomic context (GRCh38, chr4:39,521,382, plus strand): 5'-AAAAACAAAGAGATGTTTAATATGTTTACCTCATAAATAGGAAGTGTAGGAGAATTCCAC[G>A]CATTGATTCTTGATTCATTGACATCAACAACCGTTACCCTGATTTCAGGACACATATGAG-3'
Protein context (NP_003350.1, residues 34-54): VVDVNESRIN[Ala44Val]WNSPTLPIYE